The following is an entry in ClinVar:

NM_198253.3(TERT):c.403G>A (p.Gly135Arg)

Gene: TERT (telomerase reverse transcriptase; minus strand). Cytogenetic location: 5p15.33.
Variant type: single nucleotide variant.
Coding change: c.403G>A on transcript NM_198253.3 (MANE Select); coding-DNA position 403, G replaced by A.
Protein change: p.Gly135Arg; replaces glycine 135 with arginine.
Molecular consequence: missense variant. On other transcripts: non-coding transcript variant (2).
Genome position (GRCh38, 1-based): chr5:1,294,483, C>T on the plus strand (G>A on the coding strand, the complement: TERT is on the minus strand). VCF-style: chr5-1294483-C-T. GRCh37 (hg19) VCF-style: chr5-1294598-C-T.
Other names: c.403G>A, p.Gly135Arg (NM_001193376.3); short protein forms G135R.
Identifiers: ClinVar variation 410665 (VCV000410665.22), dbSNP rs200843534, ClinGen allele CA3184986.

ClinVar aggregate classification (germline): Conflicting classifications of pathogenicity. Review status: criteria provided, conflicting classifications (1 of 4 stars). 8 submissions from 8 submitters: Uncertain significance (7); Likely benign (1). Last evaluated 2026-01-26.

Conditions:
Idiopathic Pulmonary Fibrosis. Also called: Idiopathic fibrosing alveolitis, chronic form; idiopathic fibrosing alveolitis. Identifiers: Orphanet 2032, MedGen C1800706, MeSH D054990, MONDO:0800504.
Dyskeratosis congenita, autosomal dominant 2. Identifiers: MedGen C3151443, MONDO:0013521, OMIM 613989.
Dyskeratosis congenita. Identifiers: Orphanet 1775, MedGen C0265965, MONDO:0015780.

Allele frequency attached by ClinVar (database versions not stated): ExAC 0.00011; gnomAD 0.00025; TOPMed 0.00029; 1000 Genomes Project 0.00060; 1000 Genomes Project 30x 0.00062.
gnomAD v4.1: 88 of 1,588,898 alleles (0.0055%); highest among the groups gnomAD compares: African/African-American, 0.091%; no homozygotes.

Submissions (8):

Labcorp Genetics (formerly Invitae), Labcorp
Classification: Likely benign for Dyskeratosis congenita, autosomal dominant 2; Idiopathic Pulmonary Fibrosis. Last evaluated: 2026-01-26. Review status: criteria provided, single submitter. Criteria: Invitae Variant Classification Sherloc (09022015). Collection method: clinical testing. Allele origin: germline.

St. Jude Molecular Pathology, St. Jude Children's Research Hospital
Classification: Uncertain significance for Dyskeratosis congenita, autosomal dominant 2. Last evaluated: 2025-06-17. Review status: criteria provided, single submitter. Criteria: St. Jude Assertion Criteria 2020. Collection method: clinical testing. Allele origin: germline.
Comment: The TERT c.403G>A p.(Gly135Arg) missense change has a maximum subpopulation frequency of 0.08% in gnomAD v2.1.1. The in silico tool REVEL is inconclusive about a pathogenic or benign effect of this variant on protein function, however this variant has been reported to preserve telomere elongation capacity in a published functional study (PMID: 34019641). This variant has been reported in an individual with myelodysplastic syndrome (PMID: 34019641). In summary, the evidence currently available is insufficient to determine the clinical significance of this variant. It has therefore been classified as of uncertain significance.

Ambry Genetics
Classification: Uncertain significance for Dyskeratosis congenita. Last evaluated: 2025-01-15. Review status: criteria provided, single submitter. Criteria: Ambry Variant Classification Scheme 2023. Collection method: clinical testing. Allele origin: germline.
Comment: The p.G135R variant (also known as c.403G>A), located in coding exon 2 of the TERT gene, results from a G to A substitution at nucleotide position 403. The glycine at codon 135 is replaced by arginine, an amino acid with dissimilar properties. This amino acid position is not well conserved in available vertebrate species. In addition, the in silico prediction for this alteration is inconclusive. The evidence for this gene-disease relationship is limited; therefore, the clinical significance of this alteration is unclear.

Blueprint Genetics
Classification: Uncertain significance. Last evaluated: 2024-09-11. Review status: criteria provided, single submitter. Criteria: ACMG Guidelines, 2015. Collection method: clinical testing. Allele origin: germline.

GeneDx
Classification: Uncertain significance. Last evaluated: 2024-05-01. Review status: criteria provided, single submitter. Criteria: GeneDx Variant Classification Process June 2021. Collection method: clinical testing. Allele origin: germline. Affected: yes.
Comment: In silico analysis supports that this missense variant does not alter protein structure/function; Published functional studies demonstrate preserved ability to elongate telomeres (PMID: 34019641); This variant is associated with the following publications: (PMID: 26664699, 34019641, 35081690)

Baylor Genetics
Classification: Uncertain significance for Dyskeratosis congenita, autosomal dominant 2. Last evaluated: 2024-03-22. Review status: criteria provided, single submitter. Criteria: ACMG Guidelines, 2015. Collection method: clinical testing. Allele origin: unknown.

Genetic Services Laboratory, University of Chicago
Classification: Uncertain significance. Last evaluated: 2019-04-25. Review status: criteria provided, single submitter. Criteria: ACMG Guidelines, 2015. Collection method: clinical testing. Allele origin: germline. Affected: no.

Breakthrough Genomics
Classification: Uncertain significance. Review status: criteria provided, single submitter. Criteria: ACMG Guidelines, 2015. Collection method: not provided. Allele origin: germline. Inheritance: Autosomal recessive inheritance. Affected: yes.